The following is an entry in ClinVar:

NM_001371986.1(UNC80):c.2536A>G (p.Met846Val)

Gene: UNC80 (unc-80 subunit of NALCN channel complex; plus strand). Cytogenetic location: 2q34.
Variant type: single nucleotide variant.
Coding change: c.2536A>G on transcript NM_001371986.1 (MANE Select); coding-DNA position 2536, A replaced by G.
Protein change: p.Met846Val; replaces methionine 846 with valine.
Molecular consequence: missense variant.
Genome position (GRCh38, 1-based): chr2:209,829,289, A>G. VCF-style: chr2-209829289-A-G. GRCh37 (hg19) VCF-style: chr2-210694013-A-G.
Other names: c.2536A>G (NM_032504.1); c.2536A>G, p.Met846Val (NM_032504.2); c.2521A>G, p.Met841Val (NM_182587.4); short protein forms M841V, M846V.
Identifiers: ClinVar variation 3688525 (VCV003688525.3).
Genomic context (GRCh38, chr2:209,829,289, plus strand): 5'-CAGGCCCAGAACTGCCTCACTAAGCTATACAAGCTAGATAAGATGCAGTTCCGACAAACC[A>G]TGAGGGACTATGTGAACAAGGACTCTCTCAATAATGTAGTGGACTTCTTGCATGCTTTGC-3'
Protein context (NP_001358915.1, residues 836-856): KLDKMQFRQT[Met846Val]RDYVNKDSLN

ClinVar aggregate classification (germline): Uncertain significance. Review status: criteria provided, multiple submitters, no conflicts (2 of 4 stars). 2 submissions from 2 submitters: Uncertain significance (2). Last evaluated 2024-12-07.

gnomAD v4.1: 1 of 1,551,324 alleles (0.000064%); highest among the groups gnomAD compares: Admixed American, 0.002%; no homozygotes.

Submissions (2):

GeneDx
Classification: Uncertain significance. Last evaluated: 2024-12-07. Review status: criteria provided, single submitter. Criteria: GeneDx Variant Classification Process June 2021. Collection method: clinical testing. Allele origin: germline. Affected: yes.
Comment: Not observed at significant frequency in large population cohorts (gnomAD); In silico analysis indicates that this missense variant does not alter protein structure/function; Has not been previously published as pathogenic or benign to our knowledge

Labcorp Genetics (formerly Invitae), Labcorp
Classification: Uncertain significance. Last evaluated: 2024-11-19. Review status: criteria provided, single submitter. Criteria: Invitae Variant Classification Sherloc (09022015). Collection method: clinical testing. Allele origin: germline.
Comment: This sequence change replaces methionine, which is neutral and non-polar, with valine, which is neutral and non-polar, at codon 846 of the UNC80 protein (p.Met846Val). This variant is not present in population databases (gnomAD no frequency). This variant has not been reported in the literature in individuals affected with UNC80-related conditions. An algorithm developed to predict the effect of missense changes on protein structure and function (PolyPhen-2) suggests that this variant is likely to be tolerated. In summary, the available evidence is currently insufficient to determine the role of this variant in disease. Therefore, it has been classified as a Variant of Uncertain Significance.